The following is an entry in ClinVar:

NM_001136239.4(PRDM6):c.153GCC[7] (p.Pro59_Glu60insProPro)

Genes: PRDM6 (PR/SET domain 6; plus strand), PRDM6-AS1 (PRDM6 antisense RNA 1; minus strand). Cytogenetic location: 5q23.2.
Variant type: Microsatellite.
Coding change: c.153GCC[7] on transcript NM_001136239.4 (MANE Select); seven copies in a row of the 3-base unit GCC starting at c.153; the reference has five copies in a row; two copies, 6 bases duplicated.
Protein change: p.Pro59_Glu60insProPro.
Molecular consequence: inframe insertion. On other transcripts: non-coding transcript variant (1).
Genome position (GRCh38, 1-based): chr5:123,090,176-123,090,181, GCCGCC duplicated; duplicating any 6 consecutive bases within chr5:123,090,167-123,090,181 gives the same sequence; the position shown is the placement nearest the transcript's 3' end. VCF-style (leftmost placement, unchanged base first): chr5-123090166-A-AGCCGCC. GRCh37 (hg19) VCF-style: chr5-122425861-A-AGCCGCC.
Identifiers: ClinVar variation 2655659 (VCV002655659.25), dbSNP rs563892036, ClinGen allele CA3386299.

ClinVar aggregate classification (germline): Likely benign. Review status: criteria provided, multiple submitters, no conflicts (2 of 4 stars). 2 submissions from 2 submitters: Likely benign (2). Last evaluated 2024-11-25.

Submissions (2):

Blueprint Genetics
Classification: Likely benign. Last evaluated: 2024-11-25. Review status: criteria provided, single submitter. Criteria: ACMG Guidelines, 2015. Collection method: clinical testing. Allele origin: germline.

CeGaT Center for Human Genetics Tuebingen
Classification: Likely benign. Last evaluated: 2023-05-01. Review status: criteria provided, single submitter. Criteria: CeGaT Center For Human Genetics Tuebingen Variant Classification Criteria Version 2. Collection method: clinical testing. Allele origin: germline. Affected: yes. Observed: 6 variant alleles.
Comment: PRDM6: BS2